The following is an entry in ClinVar:

ClinVar aggregate classification (germline): Likely benign (1 of 4 stars; one submission).

Submission:

CeGaT Center for Human Genetics Tuebingen
Classification: Likely benign. Last evaluated: 2025-06-01. Review status: criteria provided, single submitter. Criteria: CeGaT Center For Human Genetics Tuebingen Variant Classification Criteria Version 2. Collection method: clinical testing. Allele origin: germline. Affected: yes. Observed: 1 variant allele.
Comment: ACOT2: BS2

NM_006821.6(ACOT2):c.553A>G (p.Thr185Ala)

Genes: ACOT2 (acyl-CoA thioesterase 2; plus strand), HEATR4 (HEAT repeat containing 4; minus strand). Cytogenetic location: 14q24.3.
Variant type: single nucleotide variant.
Coding change: c.553A>G on transcript NM_006821.6 (MANE Select); coding-DNA position 553, A replaced by G.
Protein change: p.Thr185Ala; replaces threonine 185 with alanine.
Molecular consequence: missense variant. On other transcripts: intron variant (1).
Genome position (GRCh38, 1-based): chr14:73,569,793, A>G. VCF-style: chr14-73569793-A-G. GRCh37 (hg19) VCF-style: chr14-74036497-A-G.
Other names: c.553A>G, p.Thr185Ala (NM_001364178.1); c.52+397A>G (NM_001364177.1); short protein forms T185A.
Identifiers: ClinVar variation 4084031 (VCV004084031.8).